The following is an entry in ClinVar:

NM_006612.6(KIF1C):c.270C>T (p.Asn90=)

Gene: KIF1C (kinesin family member 1C; plus strand). Cytogenetic location: 17p13.2.
Variant type: single nucleotide variant.
Coding change: c.270C>T on transcript NM_006612.6 (MANE Select); coding-DNA position 270, C replaced by T.
Protein change: p.Asn90=; no amino-acid change (asparagine 90 retained).
Molecular consequence: synonymous variant.
Genome position (GRCh38, 1-based): chr17:5,001,308, C>T. VCF-style: chr17-5001308-C-T. GRCh37 (hg19) VCF-style: chr17-4904603-C-T.
Identifiers: ClinVar variation 706477 (VCV000706477.19), dbSNP rs535190367, ClinGen allele CA8318496.

ClinVar aggregate classification (germline): Benign/Likely benign. Review status: criteria provided, multiple submitters, no conflicts (2 of 4 stars). 3 submissions from 3 submitters: Benign (1); Likely benign (2). Last evaluated 2026-02-01.

Conditions:
Spastic ataxia 2. Also called: Ataxia, spastic, 2, autosomal recessive. Identifiers: Orphanet 397946, MedGen C1969796, MONDO:0012651, OMIM 611302.

Allele frequency attached by ClinVar (database versions not stated): gnomAD below 0.00001 and 0.00004; TOPMed 0.00001; ExAC 0.00021; 1000 Genomes Project 0.00040; 1000 Genomes Project 30x 0.00047.
gnomAD v4.1: 169 of 1,614,156 alleles (0.01%); highest among the groups gnomAD compares: South Asian, 0.15%; 2 homozygotes.

Submissions (3):

CeGaT Center for Human Genetics Tuebingen
Classification: Likely benign. Last evaluated: 2026-02-01. Review status: criteria provided, single submitter. Criteria: CeGaT Center For Human Genetics Tuebingen Variant Classification Criteria Version 2. Collection method: clinical testing. Allele origin: germline. Affected: yes. Observed: 2 variant alleles.
Comment: KIF1C: BP4, BP7

Labcorp Genetics (formerly Invitae), Labcorp
Classification: Benign for Spastic ataxia 2. Last evaluated: 2025-12-20. Review status: criteria provided, single submitter. Criteria: Invitae Variant Classification Sherloc (09022015). Collection method: clinical testing. Allele origin: germline.

Blueprint Genetics
Classification: Likely benign. Last evaluated: 2024-06-28. Review status: criteria provided, single submitter. Criteria: ACMG Guidelines, 2015. Collection method: clinical testing. Allele origin: germline.